The following is an entry in ClinVar:

NC_012920.1(MT-RNR1):m.1313A>G

Gene: MT-RNR1 (mitochondrially encoded 12S RNA; plus strand).
Variant type: single nucleotide variant.
Genome position: chrM-1313-A-G.
Identifiers: ClinVar variation 666715 (VCV000666715.4), dbSNP rs1603218542, ClinGen allele CA913162094.

ClinVar aggregate classification (germline): Likely benign (1 of 4 stars; one submission).

Submission:

Laboratory for Molecular Medicine, Mass General Brigham Personalized Medicine
Classification: Likely benign. Last evaluated: 2018-07-17. Review status: criteria provided, single submitter. Criteria: LMM Criteria. Collection method: clinical testing. Allele origin: germline. Observed: 1 variant allele.
Comment: The m.1313A>G variant in MTRNR1 is not expected to have clinical significance be cause it has been identified at high frequency in several haplogroups, including 3.12% (16/512) of H3, 4.26% (2/47) of M, 1.50% (2/133) of U3b, and 0.48% (1/209 ) of G2a. ACMG/AMP Criteria applied: BS1.